The following is an entry in ClinVar:

NM_001371623.1(TCOF1):c.2076T>G (p.Asp692Glu)

Gene: TCOF1 (treacle ribosome biogenesis factor 1; plus strand). Cytogenetic location: 5q32.
Variant type: single nucleotide variant.
Coding change: c.2076T>G on transcript NM_001371623.1 (MANE Select); coding-DNA position 2076, T replaced by G.
Protein change: p.Asp692Glu; replaces aspartic acid 692 with glutamic acid.
Molecular consequence: missense variant.
Genome position (GRCh38, 1-based): chr5:150,376,264, T>G. VCF-style: chr5-150376264-T-G. GRCh37 (hg19) VCF-style: chr5-149755827-T-G.
Other names: c.1845T>G, p.Asp615Glu (NM_000356.4, NM_001135245.2, NM_001437406.1); c.2076T>G, p.Asp692Glu (NM_001008657.3, NM_001135243.2, NM_001135244.2 and 1 more transcripts); short protein forms D615E, D692E.
Identifiers: ClinVar variation 4737530 (VCV004737530.1).

ClinVar aggregate classification (germline): Uncertain significance (1 of 4 stars; one submission).

Conditions:
Treacher Collins syndrome 1 (TCS1). Also called: TCOF1-Related Treacher Collins Syndrome. Identifiers: Orphanet 861, MedGen CN315775, MONDO:0007944, OMIM 154500.

Submission:

Labcorp Genetics (formerly Invitae), Labcorp
Classification: Uncertain significance for Treacher Collins syndrome 1. Last evaluated: 2025-12-04. Review status: criteria provided, single submitter. Criteria: Invitae Variant Classification Sherloc (09022015). Collection method: clinical testing. Allele origin: germline.
Comment: This sequence change replaces aspartic acid, which is acidic and polar, with glutamic acid, which is acidic and polar, at codon 692 of the TCOF1 protein (p.Asp692Glu). This variant is not present in population databases (gnomAD no frequency). This variant has not been reported in the literature in individuals affected with TCOF1-related conditions. Invitae Evidence Modeling of protein sequence and biophysical properties (such as structural, functional, and spatial information, amino acid conservation, physicochemical variation, residue mobility, and thermodynamic stability) indicates that this missense variant is not expected to disrupt TCOF1 protein function with a negative predictive value of 80%. In summary, the available evidence is currently insufficient to determine the role of this variant in disease. Therefore, it has been classified as a Variant of Uncertain Significance.